The following is an entry in ClinVar:

NM_000088.4(COL1A1):c.2309G>C (p.Gly770Ala)

Gene: COL1A1 (collagen type I alpha 1 chain; minus strand). Cytogenetic location: 17q21.33.
Variant type: single nucleotide variant.
Coding change: c.2309G>C on transcript NM_000088.4 (MANE Select); coding-DNA position 2309, G replaced by C.
Protein change: p.Gly770Ala; replaces glycine 770 with alanine.
Molecular consequence: missense variant.
Genome position (GRCh38, 1-based): chr17:50,190,851, C>G on the plus strand (G>C on the coding strand, the complement: COL1A1 is on the minus strand). VCF-style: chr17-50190851-C-G. GRCh37 (hg19) VCF-style: chr17-48268212-C-G.
Other names: short protein forms G770A.
Identifiers: ClinVar variation 4280696 (VCV004280696.1).

ClinVar aggregate classification (germline): Uncertain significance (1 of 4 stars; one submission).

Conditions:
Osteogenesis imperfecta with normal sclerae, dominant form (OI4). Also called: OSTEOGENESIS IMPERFECTA, TYPE IV, WITH DENTINOGENESIS IMPERFECTA; OSTEOGENESIS IMPERFECTA WITH NORMAL SCLERAE; Osteogenesis imperfecta type 4; Osteogenesis Imperfecta Type IV; Common Variable Osteogenesis Imperfecta with Normal Sclerae. Identifiers: Orphanet 216820, Orphanet 666, MedGen C0268363, MONDO:0008148, OMIM 166220.

Submission:

Laboratory of Genetic Skeletal Anomaly, Seoul National University Children's Hospital
Classification: Uncertain significance for Osteogenesis imperfecta with normal sclerae, dominant form. Last evaluated: 2025-03-01. Review status: criteria provided, single submitter. Criteria: ACMG Guidelines, 2015. Collection method: research. Allele origin: germline. Affected: yes.
Comment: This variant is a novel variant not previously reported in the literature or population databases. It was classified based on available in silico predictions and absence from gnomAD.